The following is an entry in ClinVar:

ClinVar aggregate classification (germline): Uncertain significance. Review status: criteria provided, multiple submitters, no conflicts (2 of 4 stars). 2 submissions from 2 submitters: Uncertain significance (2). Last evaluated 2025-11-17.

Conditions:
CLTC-related disorder. Also called: CLTC-related condition.

Allele frequency attached by ClinVar (database versions not stated): TOPMed below 0.00001; gnomAD exomes 0.00001.

Submissions (2):

Labcorp Genetics (formerly Invitae), Labcorp
Classification: Uncertain significance. Last evaluated: 2025-11-17. Review status: criteria provided, single submitter. Criteria: Invitae Variant Classification Sherloc (09022015). Collection method: clinical testing. Allele origin: germline.
Comment: This sequence change replaces glutamic acid, which is acidic and polar, with glutamine, which is neutral and polar, at codon 1628 of the CLTC protein (p.Glu1628Gln). This variant is present in population databases (no rsID available, gnomAD no frequency). This variant has not been reported in the literature in individuals affected with CLTC-related conditions. ClinVar contains an entry for this variant (Variation ID: 2072147). Invitae Evidence Modeling of protein sequence and biophysical properties (such as structural, functional, and spatial information, amino acid conservation, physicochemical variation, residue mobility, and thermodynamic stability) indicates that this missense variant is not expected to disrupt CLTC protein function with a negative predictive value of 80%. In summary, the available evidence is currently insufficient to determine the role of this variant in disease. Therefore, it has been classified as a Variant of Uncertain Significance.

PreventionGenetics, part of Exact Sciences
Classification: Uncertain significance for CLTC-related condition. Last evaluated: 2023-05-21. Review status: criteria provided, single submitter. Criteria: ACMG Guidelines, 2015. Collection method: clinical testing. Allele origin: germline.
Comment: The CLTC c.4882G>C variant is predicted to result in the amino acid substitution p.Glu1628Gln. To our knowledge, this variant has not been reported in the literature. In the gnomAD database, it is absent from all reported populations except 1 allele in the "Other" population, out of 250,484 alleles total in gnomAD. At this time, the clinical significance of this variant is uncertain due to the absence of conclusive functional and genetic evidence.

NM_004859.4(CLTC):c.4870G>C (p.Glu1624Gln)

Gene: CLTC (clathrin heavy chain; plus strand). Cytogenetic location: 17q23.1.
Variant type: single nucleotide variant.
Coding change: c.4870G>C on transcript NM_004859.4 (MANE Select); coding-DNA position 4870, G replaced by C.
Protein change: p.Glu1624Gln; replaces glutamic acid 1624 with glutamine.
Molecular consequence: missense variant.
Genome position (GRCh38, 1-based): chr17:59,690,678, G>C. VCF-style: chr17-59690678-G-C. GRCh37 (hg19) VCF-style: chr17-57768039-G-C.
Other names: c.4882G>C, p.Glu1628Gln (NM_001288653.2); c.4882G>C (NM_001288653.1); short protein forms E1624Q, E1628Q.
Identifiers: ClinVar variation 2072147 (VCV002072147.5), dbSNP rs954171738, ClinGen allele CA292121809.